The following is an entry in ClinVar:

NM_000057.4(BLM):c.490G>C (p.Glu164Gln)

Gene: BLM (BLM RecQ like helicase; plus strand). Cytogenetic location: 15q26.1.
Variant type: single nucleotide variant.
Coding change: c.490G>C on transcript NM_000057.4 (MANE Select); coding-DNA position 490, G replaced by C.
Protein change: p.Glu164Gln; replaces glutamic acid 164 with glutamine.
Molecular consequence: missense variant. On other transcripts: 5 prime UTR variant (1).
Genome position (GRCh38, 1-based): chr15:90,749,758, G>C. VCF-style: chr15-90749758-G-C. GRCh37 (hg19) VCF-style: chr15-91292988-G-C.
Other names: c.490G>C, p.Glu164Gln (NM_001287246.2, NM_001287247.2); c.-802G>C (NM_001287248.2); short protein forms E164Q.
Identifiers: ClinVar variation 825283 (VCV000825283.4), dbSNP rs1052258023, ClinGen allele CA393840903.

ClinVar aggregate classification (germline): Uncertain significance (1 of 4 stars; one submission).

Conditions:
Hereditary cancer-predisposing syndrome. Also called: Neoplastic Syndromes, Hereditary; Tumor predisposition; Hereditary neoplastic syndrome; Hereditary Cancer Syndrome. Identifiers: Orphanet 140162, MedGen C0027672, MeSH D009386, MONDO:0015356.

Submission:

Ambry Genetics
Classification: Uncertain significance for Hereditary cancer-predisposing syndrome. Last evaluated: 2019-03-14. Review status: criteria provided, single submitter. Criteria: Ambry Variant Classification Scheme 2023. Collection method: clinical testing. Allele origin: germline.
Comment: The p.E164Q variant (also known as c.490G>C), located in coding exon 2 of the BLM gene, results from a G to C substitution at nucleotide position 490. The glutamic acid at codon 164 is replaced by glutamine, an amino acid with highly similar properties. This amino acid position is poorly conserved in available vertebrate species. In addition, this alteration is predicted to be tolerated by in silico analysis. Since supporting evidence is limited at this time, the clinical significance of this alteration remains unclear.